The following is an entry in ClinVar:

ClinVar aggregate classification (germline): Uncertain significance. Review status: criteria provided, multiple submitters, no conflicts (2 of 4 stars). 2 submissions from 2 submitters: Uncertain significance (2). Last evaluated 2025-10-27.

Conditions:
CHARGE syndrome (CHARGE). Also called: Hittner Hirsch Kreh syndrome; Coloboma, heart anomaly, choanal atresia, retardation, genital and ear anomalies; CHARGE association; Hall-Hittner syndrome; CHARGE ASSOCIATION--COLOBOMA, HEART ANOMALY, CHOANAL ATRESIA, RETARDATION, GENITAL AND EAR ANOMALIES. Identifiers: Orphanet 138, MedGen C0265354, MONDO:0008965.
Hypogonadotropic hypogonadism 7 with or without anosmia (HH7). Also called: GNRHR-Related GnRH Deficiency; HYPOGONADOTROPIC HYPOGONADISM 7 WITHOUT ANOSMIA. Identifiers: Orphanet 432, MedGen C0342384, MONDO:0007794, OMIM 146110.

Allele frequency attached by ClinVar (database versions not stated): ExAC 0.00002; gnomAD 0.00002; gnomAD exomes 0.00002; TOPMed 0.00002.
gnomAD v4.1: 36 of 1,612,012 alleles (0.0022%); highest among the groups gnomAD compares: Non-Finnish European, 0.003%; no homozygotes.

Submissions (2):

Labcorp Genetics (formerly Invitae), Labcorp
Classification: Uncertain significance for CHARGE syndrome. Last evaluated: 2025-10-27. Review status: criteria provided, single submitter. Criteria: Invitae Variant Classification Sherloc (09022015). Collection method: clinical testing. Allele origin: germline.
Comment: This sequence change falls in intron 13 of the SEMA3E gene. It does not directly change the encoded amino acid sequence of the SEMA3E protein. It affects a nucleotide within the consensus splice site. This variant is present in population databases (rs201772961, gnomAD 0.005%). This variant has not been reported in the literature in individuals affected with SEMA3E-related conditions. ClinVar contains an entry for this variant (Variation ID: 1010114). Variants that disrupt the consensus splice site are a relatively common cause of aberrant splicing (PMID: 17576681, 9536098). Algorithms developed to predict the effect of sequence changes on RNA splicing suggest that this variant may disrupt the consensus splice site. In summary, the available evidence is currently insufficient to determine the role of this variant in disease. Therefore, it has been classified as a Variant of Uncertain Significance.

Fulgent Genetics
Classification: Uncertain significance for Hypogonadotropic hypogonadism 7 with or without anosmia; CHD7-related CHARGE syndrome. Last evaluated: 2021-07-05. Review status: criteria provided, single submitter. Criteria: ACMG Guidelines, 2015. Collection method: clinical testing. Allele origin: unknown.

Literature cited by the submitters: PubMed 17576681 (cited by Labcorp Genetics (formerly Invitae), Labcorp); PubMed 9536098 (cited by Labcorp Genetics (formerly Invitae), Labcorp).

NM_012431.3(SEMA3E):c.1500+5G>A

Gene: SEMA3E (semaphorin 3E; minus strand). Cytogenetic location: 7q21.11.
Variant type: single nucleotide variant.
Coding change: c.1500+5G>A on transcript NM_012431.3 (MANE Select); 5 bases into the intron after coding-DNA position 1500, G replaced by A.
Molecular consequence: intron variant.
Genome position (GRCh38, 1-based): chr7:83,394,292, C>T on the plus strand (G>A on the coding strand, the complement: SEMA3E is on the minus strand). VCF-style: chr7-83394292-C-T. GRCh37 (hg19) VCF-style: chr7-83023608-C-T.
Other names: c.1320+5G>A (NM_001178129.2).
Identifiers: ClinVar variation 1010114 (VCV001010114.7), dbSNP rs201772961, ClinGen allele CA4322002.
Genomic context (GRCh38, chr7:83,394,292, plus strand): 5'-TTTGACCTTACCTTAGCTCACATATAGAACACACACACCTACACACACACACACACAGAA[C>T]TTACCCGCTTTGAAGAAATCTCCATAGAAATAATAGGAACTGGATCCTGAAATTTTAAAA-3'